The following is an entry in ClinVar:

ClinVar aggregate classification (germline): Uncertain significance (1 of 4 stars; one submission).

Conditions:
Hereditary cancer-predisposing syndrome. Also called: Neoplastic Syndromes, Hereditary; Tumor predisposition; Hereditary Cancer Syndrome; Hereditary neoplastic syndrome. Identifiers: Orphanet 140162, MedGen C0027672, MeSH D009386, MONDO:0015356.

Submission:

Ambry Genetics
Classification: Uncertain significance for Hereditary cancer-predisposing syndrome. Last evaluated: 2021-04-21. Review status: criteria provided, single submitter. Criteria: Ambry Variant Classification Scheme 2023. Collection method: clinical testing. Allele origin: germline.
Comment: The p.I585M variant (also known as c.1755C>G), located in coding exon 10 of the DICER1 gene, results from a C to G substitution at nucleotide position 1755. The isoleucine at codon 585 is replaced by methionine, an amino acid with highly similar properties. This amino acid position is highly conserved in available vertebrate species. In addition, the in silico prediction for this alteration is inconclusive. Since supporting evidence is limited at this time, the clinical significance of this alteration remains unclear.

NM_177438.3(DICER1):c.1755C>G (p.Ile585Met)

Gene: DICER1 (dicer 1, ribonuclease III; minus strand). Cytogenetic location: 14q32.13.
Variant type: single nucleotide variant.
Coding change: c.1755C>G on transcript NM_177438.3 (MANE Select); coding-DNA position 1755, C replaced by G.
Protein change: p.Ile585Met; replaces isoleucine 585 with methionine.
Molecular consequence: missense variant. On other transcripts: non-coding transcript variant (6).
Genome position (GRCh38, 1-based): chr14:95,115,819, G>C on the plus strand (C>G on the coding strand, the complement: DICER1 is on the minus strand). VCF-style: chr14-95115819-G-C. GRCh37 (hg19) VCF-style: chr14-95582156-G-C.
Other names: c.1755C>G, p.Ile585Met (NM_001195573.1, NM_001271282.3, NM_001291628.2 and 13 more transcripts); c.1473C>G, p.Ile491Met (NM_001395686.1); c.1350C>G, p.Ile450Met (NM_001395687.1, NM_001395688.1, NM_001395689.1 and 3 more transcripts); c.1188C>G, p.Ile396Met (NM_001395691.1); c.72C>G, p.Ile24Met (NM_001395697.1); short protein forms I491M, I396M, I450M, I585M, I24M.
Identifiers: ClinVar variation 1779460 (VCV001779460.2), dbSNP rs1595407299, ClinGen allele CA390884204.
Genomic context (GRCh38, chr14:95,115,819, plus strand): 5'-CATGACAGGATCAATGTCAGTCTCACCAGTATCAACCGACTTGGAACACTTGTTTCTCAA[G>C]ATCTGAACATTTAAAAAACAGAACTTATGATGAAAACACATCCTCTCTGCTGTATGCTGT-3'
Protein context (NP_803187.1, residues 575-595): DLKTYKAIEK[Ile585Met]LRNKCSKSVD